The following is an entry in ClinVar:

NM_006648.4(WNK2):c.4333G>T (p.Ala1445Ser)

Gene: WNK2 (WNK lysine deficient protein kinase 2; plus strand). Cytogenetic location: 9q22.31.
Variant type: single nucleotide variant.
Coding change: c.4333G>T on transcript NM_006648.4 (MANE Select); coding-DNA position 4333, G replaced by T.
Protein change: p.Ala1445Ser; replaces alanine 1445 with serine.
Molecular consequence: missense variant.
Genome position (GRCh38, 1-based): chr9:93,289,087, G>T. VCF-style: chr9-93289087-G-T. GRCh37 (hg19) VCF-style: chr9-96051369-G-T.
Other names: NC_000009.11:g.96051369G>T; c.4444G>T, p.Ala1482Ser (NM_001282394.3); short protein forms A1445S, A1482S.
Identifiers: ClinVar variation 3190637 (VCV003190637.3), dbSNP rs768532688, ClinGen allele CA5130300.

ClinVar aggregate classification (germline): Uncertain significance (1 of 4 stars; one submission).

Allele frequency attached by ClinVar (database versions not stated): ExAC 0.00002; TOPMed 0.00005; gnomAD 0.00007.
gnomAD v4.1: 66 of 1,608,206 alleles (0.0041%); highest among the groups gnomAD compares: Non-Finnish European, 0.0053%; no homozygotes.

Submissions (2):

Ambry Genetics
Classification: Uncertain significance. Last evaluated: 2024-12-06. Review status: criteria provided, single submitter. Criteria: Ambry Variant Classification Scheme 2023. Collection method: clinical testing. Allele origin: germline.
Comment: The p.A1445S variant (also known as c.4333G>T), located in coding exon 19 of the WNK2 gene, results from a G to T substitution at nucleotide position 4333. The alanine at codon 1445 is replaced by serine, an amino acid with similar properties. This amino acid position is conserved. In addition, this alteration is predicted to be tolerated by in silico analysis. Based on the available evidence, the clinical significance of this variant remains unclear.

Dr. Peter K. Rogan Lab, Western University
No classification provided (evidence only). Condition: Thyroid cancer, nonmedullary, 1. Review status: no classification provided. Collection method: in vitro. Allele origin: not applicable. Functional consequence: retained intron. Not counted in ClinVar's aggregate classification.